The following is an entry in ClinVar:

ClinVar aggregate classification (germline): Uncertain significance. Review status: criteria provided, single submitter (1 of 4 stars). 2 submissions from 2 submitters: Uncertain significance (1). 1 of the submissions does not count toward it. Last evaluated 2021-12-15.

Conditions:
Deficiency of hydroxymethylglutaryl-CoA lyase (HMGCLD). Also called: HMG-CoA LYASE DEFICIENCY; HMGCL DEFICIENCY; HYDROXYMETHYLGLUTARIC ACIDURIA; Defect in leucine metabolism; 3-hydroxy-3-methylglutaric aciduria. Identifiers: Orphanet 20, MedGen C1533587, MONDO:0009520, OMIM 246450.
Long chain 3-hydroxyacyl-CoA dehydrogenase deficiency. Also called: Deficiency of long-chain 3-hydroxyacyl-coenzyme A dehydrogenase; LCHAD Deficiency. Identifiers: Orphanet 5, MedGen C3711645, MONDO:0012173, OMIM 609016.

Allele frequency attached by ClinVar (database versions not stated): ExAC 0.00001; gnomAD exomes 0.00001; TOPMed 0.00002; gnomAD 0.00003.
gnomAD v4.1: 17 of 1,613,816 alleles (0.0011%); highest among the groups gnomAD compares: African/African-American, 0.008%; no homozygotes.

Submissions (2):

Labcorp Genetics (formerly Invitae), Labcorp
Classification: Uncertain significance for Deficiency of hydroxymethylglutaryl-CoA lyase. Last evaluated: 2021-12-15. Review status: criteria provided, single submitter. Criteria: Invitae Variant Classification Sherloc (09022015). Collection method: clinical testing. Allele origin: germline.
Comment: This sequence change replaces arginine, which is basic and polar, with tryptophan, which is neutral and slightly polar, at codon 32 of the HMGCL protein (p.Arg32Trp). This variant is present in population databases (rs759745527, gnomAD 0.003%). This variant has not been reported in the literature in individuals affected with HMGCL-related conditions. ClinVar contains an entry for this variant (Variation ID: 951583). Algorithms developed to predict the effect of missense changes on protein structure and function are either unavailable or do not agree on the potential impact of this missense change (SIFT: "Deleterious"; PolyPhen-2: "Benign"; Align-GVGD: "Class C0"). Algorithms developed to predict the effect of sequence changes on RNA splicing suggest that this variant may create or strengthen a splice site. In summary, the available evidence is currently insufficient to determine the role of this variant in disease. Therefore, it has been classified as a Variant of Uncertain Significance.

Natera, Inc.
Classification: Uncertain significance for Deficiency of long-chain 3-hydroxyacyl-coenzyme A dehydrogenase. Last evaluated: 2021-09-13. Review status: no assertion criteria provided. Collection method: clinical testing. Allele origin: germline. Not counted in ClinVar's aggregate classification.

NM_000191.3(HMGCL):c.94C>T (p.Arg32Trp)

Gene: HMGCL (3-hydroxy-3-methylglutaryl-CoA lyase; minus strand). Cytogenetic location: 1p36.11.
Variant type: single nucleotide variant.
Coding change: c.94C>T on transcript NM_000191.3 (MANE Select); coding-DNA position 94, C replaced by T.
Protein change: p.Arg32Trp; replaces arginine 32 with tryptophan.
Molecular consequence: missense variant.
Genome position (GRCh38, 1-based): chr1:23,820,560, G>A on the plus strand (C>T on the coding strand, the complement: HMGCL is on the minus strand). VCF-style: chr1-23820560-G-A. GRCh37 (hg19) VCF-style: chr1-24147050-G-A.
Other names: c.94C>T, p.Arg32Trp (NM_001166059.2); short protein forms R32W.
Identifiers: ClinVar variation 951583 (VCV000951583.5), dbSNP rs759745527, ClinGen allele CA686202.